The following is an entry in ClinVar:

NM_004444.5(EPHB4):c.1084C>T (p.Arg362Trp)

Gene: EPHB4 (EPH receptor B4; minus strand). Cytogenetic location: 7q22.1.
Variant type: single nucleotide variant.
Coding change: c.1084C>T on transcript NM_004444.5 (MANE Select); coding-DNA position 1084, C replaced by T.
Protein change: p.Arg362Trp; replaces arginine 362 with tryptophan.
Molecular consequence: missense variant.
Genome position (GRCh38, 1-based): chr7:100,819,770, G>A on the plus strand (C>T on the coding strand, the complement: EPHB4 is on the minus strand). VCF-style: chr7-100819770-G-A. GRCh37 (hg19) VCF-style: chr7-100417392-G-A.
Other names: short protein forms R362W.
Identifiers: ClinVar variation 1787263 (VCV001787263.4), dbSNP rs767351699, ClinGen allele CA4393110.

ClinVar aggregate classification (germline): Conflicting classifications of pathogenicity. Review status: criteria provided, conflicting classifications (1 of 4 stars). 2 submissions from 2 submitters: Uncertain significance (1); Likely benign (1). Last evaluated 2024-04-24.

Conditions:
Cardiovascular phenotype. Identifiers: MedGen CN230736.

Allele frequency attached by ClinVar (database versions not stated): ExAC 0.00002; gnomAD exomes 0.00002; TOPMed 0.00002; gnomAD 0.00003.
gnomAD v4.1: 33 of 1,589,656 alleles (0.0021%); highest among the groups gnomAD compares: East Asian, 0.0023%; no homozygotes.

Submissions (2):

Labcorp Genetics (formerly Invitae), Labcorp
Classification: Uncertain significance. Last evaluated: 2024-04-24. Review status: criteria provided, single submitter. Criteria: Invitae Variant Classification Sherloc (09022015). Collection method: clinical testing. Allele origin: germline.
Comment: This sequence change replaces arginine, which is basic and polar, with tryptophan, which is neutral and slightly polar, at codon 362 of the EPHB4 protein (p.Arg362Trp). This variant is present in population databases (rs767351699, gnomAD 0.009%). This variant has not been reported in the literature in individuals affected with EPHB4-related conditions. ClinVar contains an entry for this variant (Variation ID: 1787263). Advanced modeling of protein sequence and biophysical properties (such as structural, functional, and spatial information, amino acid conservation, physicochemical variation, residue mobility, and thermodynamic stability) has been performed at Invitae for this missense variant, however the output from this modeling did not meet the statistical confidence thresholds required to predict the impact of this variant on EPHB4 protein function. In summary, the available evidence is currently insufficient to determine the role of this variant in disease. Therefore, it has been classified as a Variant of Uncertain Significance.

Ambry Genetics
Classification: Likely benign for Cardiovascular phenotype. Last evaluated: 2022-02-17. Review status: criteria provided, single submitter. Criteria: Ambry Variant Classification Scheme 2023. Collection method: clinical testing. Allele origin: germline.